The following is an entry in ClinVar:

NM_145207.3(AFG2A):c.440C>T (p.Ala147Val)

Gene: AFG2A (AAA ATPase AFG2A; plus strand). Cytogenetic location: 4q28.1.
Variant type: single nucleotide variant.
Coding change: c.440C>T on transcript NM_145207.3 (MANE Select); coding-DNA position 440, C replaced by T.
Protein change: p.Ala147Val; replaces alanine 147 with valine.
Molecular consequence: missense variant.
Genome position (GRCh38, 1-based): chr4:122,929,191, C>T. VCF-style: chr4-122929191-C-T. GRCh37 (hg19) VCF-style: chr4-123850346-C-T.
Other names: c.437C>T, p.Ala146Val (NM_001317799.2, NM_001345856.2); c.440C>T (NM_145207.2); short protein forms A147V, A146V.
Identifiers: ClinVar variation 1378916 (VCV001378916.4), dbSNP rs781153844, ClinGen allele CA3070208.

ClinVar aggregate classification (germline): Uncertain significance. Review status: criteria provided, multiple submitters, no conflicts (2 of 4 stars). 2 submissions from 2 submitters: Uncertain significance (2). Last evaluated 2025-05-22.

Conditions:
Microcephaly-intellectual disability-sensorineural hearing loss-epilepsy-abnormal muscle tone syndrome (NEDHSB). Also called: NEURODEVELOPMENTAL DISORDER WITH HEARING LOSS, SEIZURES, AND BRAIN ABNORMALITIES. Identifiers: Orphanet 457351, MedGen C4225276, MONDO:0014698, OMIM 616577.
AFG2A-related disorder. Also called: AFG2A-related condition.

Allele frequency attached by ClinVar (database versions not stated): gnomAD exomes 0.00001; TOPMed 0.00001; ExAC 0.00002; gnomAD 0.00002.
gnomAD v4.1: 11 of 1,580,390 alleles (0.0007%); highest among the groups gnomAD compares: Non-Finnish European, 0.00094%; no homozygotes.

Submissions (2):

PreventionGenetics, part of Exact Sciences
Classification: Uncertain significance for AFG2A-related condition. Last evaluated: 2025-05-22. Review status: criteria provided, single submitter. Criteria: ACMG Guidelines, 2015. Collection method: clinical testing. Allele origin: germline.
Comment: The AFG2A c.440C>T variant is predicted to result in the amino acid substitution p.Ala147Val. To our knowledge, this variant has not been reported in the literature. This variant is reported in 0.0033% of alleles in individuals of European (Non-Finnish) descent in gnomAD. At this time, the clinical significance of this variant is uncertain due to the absence of conclusive functional and genetic evidence.

Labcorp Genetics (formerly Invitae), Labcorp
Classification: Uncertain significance for Microcephaly-intellectual disability-sensorineural hearing loss-epilepsy-abnormal muscle tone syndrome. Last evaluated: 2022-07-15. Review status: criteria provided, single submitter. Criteria: Invitae Variant Classification Sherloc (09022015). Collection method: clinical testing. Allele origin: germline.
Comment: This sequence change replaces alanine, which is neutral and non-polar, with valine, which is neutral and non-polar, at codon 147 of the SPATA5 protein (p.Ala147Val). This variant is present in population databases (rs781153844, gnomAD 0.003%). This variant has not been reported in the literature in individuals affected with SPATA5-related conditions. ClinVar contains an entry for this variant (Variation ID: 1378916). Advanced modeling of protein sequence and biophysical properties (such as structural, functional, and spatial information, amino acid conservation, physicochemical variation, residue mobility, and thermodynamic stability) performed at Invitae indicates that this missense variant is not expected to disrupt SPATA5 protein function. Algorithms developed to predict the effect of sequence changes on RNA splicing suggest that this variant may create or strengthen a splice site. In summary, the available evidence is currently insufficient to determine the role of this variant in disease. Therefore, it has been classified as a Variant of Uncertain Significance.